The following is an entry in ClinVar:

ClinVar aggregate classification (germline): Likely pathogenic (1 of 4 stars; one submission).

Conditions:
Familial adenomatous polyposis 1 (FAP1). Also called: FAMILIAL ADENOMATOUS POLYPOSIS 1, ATTENUATED; POLYPOSIS, ADENOMATOUS INTESTINAL. Identifiers: MedGen C2713442, MONDO:0021056, OMIM 175100. Disease mechanism: loss of function.

Submission:

Labcorp Genetics (formerly Invitae), Labcorp
Classification: Likely pathogenic for Familial adenomatous polyposis 1. Last evaluated: 2022-05-13. Review status: criteria provided, single submitter. Criteria: Invitae Variant Classification Sherloc (09022015). Collection method: clinical testing. Allele origin: germline.
Comment: In summary, the currently available evidence indicates that the variant is pathogenic, but additional data are needed to prove that conclusively. Therefore, this variant has been classified as Likely Pathogenic. Other variant(s) that result in the loss of exon 13 have been determined to be pathogenic (PMID: 24599579, 33670833; Invitae). This suggests that this variant may also be clinically significant and likely to be disease-causing. This sequence change falls in intron 12 of the APC gene. It does not directly change the encoded amino acid sequence of the APC protein. RNA analysis indicates that this variant induces altered splicing and likely results in a shortened protein product. This variant is not present in population databases (gnomAD no frequency). This variant has been observed in individual(s) with clinical features of familial adenomatous polyposis (Invitae). Studies have shown that this variant results in skipping of exon 13, but is expected to preserve the integrity of the reading-frame (Invitae).

Literature cited by the submitters: PubMed 24599579; PubMed 33670833.

NM_000038.6(APC):c.1549-19T>G

Gene: APC (APC regulator of Wnt signaling pathway; plus strand). Cytogenetic location: 5q22.2.
Variant type: single nucleotide variant.
Coding change: c.1549-19T>G on transcript NM_000038.6 (MANE Select); 19 bases into the intron before coding-DNA position 1549, T replaced by G.
Molecular consequence: intron variant.
Genome position (GRCh38, 1-based): chr5:112,827,910, T>G. VCF-style: chr5-112827910-T-G. GRCh37 (hg19) VCF-style: chr5-112163607-T-G.
Other names: c.1549-19T>G (NM_001354895.2, NM_001127510.3); c.1579-19T>G (NM_001354897.2); c.1276-19T>G (NM_001354902.2); c.1495-19T>G (NM_001127511.3); c.1474-19T>G (NM_001354898.2); c.1171-19T>G (NM_001354904.2); c.700-19T>G (NM_001354906.2); c.1603-19T>G (NM_001354896.2); and 5 more.
Identifiers: ClinVar variation 1392159 (VCV001392159.8), dbSNP rs2149812994, ClinGen allele CA2573138844.
Genomic context (GRCh38, chr5:112,827,910, plus strand): 5'-TAGACATTTAGTAGCCAAAAATAAAGCTTGGCTTCAAGTTGTCTTTTTAATGATCCTCTA[T>G]TCTGTATTTAATTTACAGGCTACGCTATGCTCTATGAAAGGCTGCATGAGAGCACTTGTG-3'